The following is an entry in ClinVar:

NM_001372.4(DNAH9):c.2450T>C (p.Ile817Thr)

Gene: DNAH9 (dynein axonemal heavy chain 9; plus strand). Cytogenetic location: 17p12.
Variant type: single nucleotide variant.
Coding change: c.2450T>C on transcript NM_001372.4 (MANE Select); coding-DNA position 2450, T replaced by C.
Protein change: p.Ile817Thr; replaces isoleucine 817 with threonine.
Molecular consequence: missense variant.
Genome position (GRCh38, 1-based): chr17:11,652,857, T>C. VCF-style: chr17-11652857-T-C. GRCh37 (hg19) VCF-style: chr17-11556174-T-C.
Other names: short protein forms I817T.
Identifiers: ClinVar variation 2344804 (VCV002344804.3), dbSNP rs149405126, ClinGen allele CA8395184.

ClinVar aggregate classification (germline): Uncertain significance. Review status: criteria provided, single submitter (1 of 4 stars). 2 submissions from 2 submitters: Uncertain significance (1). 1 of the submissions does not count toward it. Last evaluated 2021-07-26.

Conditions:
Inborn genetic diseases. Identifiers: MedGen C0950123, MeSH D030342.
DNAH9-related disorder. Also called: DNAH9-related condition.

Allele frequency attached by ClinVar (database versions not stated): gnomAD exomes 0.00002; ExAC 0.00005; ESP Exome Variant Server 0.00008; 1000 Genomes Project 30x 0.00016; 1000 Genomes Project 0.00020; gnomAD 0.00020; TOPMed 0.00024.
gnomAD v4.1: 59 of 1,613,998 alleles (0.0037%); highest among the groups gnomAD compares: African/African-American, 0.069%; no homozygotes.

Submissions (2):

Ambry Genetics
Classification: Uncertain significance for Inborn genetic diseases. Last evaluated: 2021-07-26. Review status: criteria provided, single submitter. Criteria: Ambry Variant Classification Scheme 2023. Collection method: clinical testing. Allele origin: germline.

PreventionGenetics, part of Exact Sciences
Classification: Uncertain significance for DNAH9-related condition. Last evaluated: 2024-04-26. Review status: no assertion criteria provided. Collection method: clinical testing. Allele origin: germline. Not counted in ClinVar's aggregate classification.
Comment: The DNAH9 c.2450T>C variant is predicted to result in the amino acid substitution p.Ile817Thr. To our knowledge, this variant has not been reported in the literature. This variant is reported in 0.080% of alleles in individuals of African descent in gnomAD. Although we suspect that this variant may be benign, at this time, the clinical significance of this variant is uncertain due to the absence of conclusive functional and genetic evidence.